The following is an entry in ClinVar:

NM_014251.3(SLC25A13):c.1307_1308delinsAA (p.Gly436Glu)

Gene: SLC25A13 (solute carrier family 25 member 13; minus strand). Cytogenetic location: 7q21.3.
Variant type: Indel.
Coding change: c.1307_1308delinsAA on transcript NM_014251.3 (MANE Select); coding-DNA positions 1307 to 1308, GC replaced by AA.
Protein change: p.Gly436Glu; replaces glycine 436 with glutamic acid.
Molecular consequence: missense variant. On other transcripts: non-coding transcript variant (1).
Genome position (GRCh38, 1-based): chr7:96,170,048-96,170,049, GC replaced by TT on the plus strand (GC replaced by AA on the coding strand, the reverse complement: SLC25A13 is on the minus strand). VCF-style: chr7-96170048-GC-TT. GRCh37 (hg19) VCF-style: chr7-95799360-GC-TT.
Other names: c.1307_1308delinsAA (NM_014251.2); c.1310_1311delinsAA, p.Gly437Glu (NM_001160210.2); c.1307_1308delGCinsAA (NM_014251.2); short protein forms G436E, G437E.
Identifiers: ClinVar variation 2504051 (VCV002504051.3), dbSNP rs2485729429, ClinGen allele CA1811590544.

ClinVar aggregate classification (germline): Likely pathogenic. Review status: criteria provided, multiple submitters, no conflicts (2 of 4 stars). 3 submissions from 3 submitters: Likely pathogenic (3). Last evaluated 2025-08-01.

Conditions:
Citrullinemia type II. Also called: Citrullinemia Type II (CTLN2). Identifiers: Orphanet 247585, MedGen C1863844, MONDO:0016603.
Neonatal intrahepatic cholestasis due to citrin deficiency (CDNI). Also called: Neonatal-onset citrullinemia type II; Neonatal-onset citrullinemia type 2; Neonatal Intrahepatic Cholestasis Caused by Citrin Deficiency (NICCD); CITRIN DEFICIENCY, NEONATAL OR INFANTILE ONSET. Identifiers: Orphanet 247598, MedGen C1853942, MONDO:0011601, OMIM 605814.
Citrullinemia, type II, adult-onset (CDAA). Also called: CITRIN DEFICIENCY, ADOLESCENT OR ADULT ONSET. Identifiers: Orphanet 247585, MedGen CN295299, MONDO:0011326, OMIM 603471.
Citrullinemia. Identifiers: Orphanet 187, MedGen C0175683, MONDO:0015991.

Submissions (3):

Natera, Inc.
Classification: Likely pathogenic for Citrullinemia. Last evaluated: 2025-08-01. Review status: criteria provided, single submitter. Criteria: Natera Variant Classification Schema (03/2026). Collection method: clinical testing. Allele origin: germline.
Comment: The c.1307_1308delGCinsAA variant in SLC25A13 is a deletion-insertion (delins) variant predicted to replace one or more nucleotides with a different sequence. This variant is rare in the general population with a frequency below the threshold expected for the associated phenotype(s). This variant has been observed in one or more individuals affected with the associated recessive disease, as either homozygous or compound heterozygous with a second variant (PMID: 21914561, 36079864, 40309478). Computational prediction algorithms indicate this variant is likely to affect gene or protein function. Given the available evidence, this variant is classified as Likely Pathogenic.

Fulgent Genetics
Classification: Likely pathogenic for Citrullinemia, type II, adult-onset; Neonatal intrahepatic cholestasis due to citrin deficiency. Last evaluated: 2024-05-14. Review status: criteria provided, single submitter. Criteria: ACMG Guidelines, 2015. Collection method: clinical testing. Allele origin: germline.

Women's Health and Genetics/Laboratory Corporation of America, LabCorp
Classification: Likely pathogenic for Citrullinemia type II. Last evaluated: 2023-04-26. Review status: criteria provided, single submitter. Criteria: LabCorp Variant Classification Summary - May 2015. Collection method: clinical testing. Allele origin: germline.
Comment: Variant summary: SLC25A13 c.1307_1308delinsAA (p.Gly436Glu) results in a non-conservative amino acid change in the encoded protein sequence. Three of four in-silico tools predict a damaging effect of the variant on protein function. The variant allele was found at a frequency of 7.1e-06 in 282708 control chromosomes (gnomAD). c.1307_1308delinsAA has been reported in the literature in individuals affected with neonatal intrahepatic cholestasis (Fiermonte_2011). These data indicate that the variant may be associated with disease. Multiple publications have reported experimental evidence evaluating an impact on protein function. The most pronounced variant effect results in <10% of normal activity (example: Fiermonte_2011 and Wongkittichote_2013). A different variant affecting the same amino acid (c.1307G>A , p.Gly436Asp) is classified pathogenic in ClinVar, suggests that this residue may be critical for normal protein function. The following publications have been ascertained in the context of this evaluation (PMID: 21914561, 23053473). No clinical diagnostic laboratories have submitted clinical-significance assessments for this variant to ClinVar after 2014. Based on the evidence outlined above, the variant was classified as likely pathogenic.

Literature cited by the submitters: PubMed 21914561 (cited by Natera, Inc. and Women's Health and Genetics/Laboratory Corporation of America, LabCorp); PubMed 36079864 (cited by Natera, Inc.); PubMed 40309478 (cited by Natera, Inc.); PubMed 23053473 (cited by Women's Health and Genetics/Laboratory Corporation of America, LabCorp).